The following is an entry in ClinVar:

ClinVar aggregate classification (germline): Uncertain significance (1 of 4 stars; one submission).

Conditions:
Alstrom syndrome (ALMS). Identifiers: Orphanet 64, MedGen C0268425, MONDO:0008763, OMIM 203800.

Submission:

Labcorp Genetics (formerly Invitae), Labcorp
Classification: Uncertain significance for Alstrom syndrome. Last evaluated: 2022-11-01. Review status: criteria provided, single submitter. Criteria: Invitae Variant Classification Sherloc (09022015). Collection method: clinical testing. Allele origin: germline.
Comment: In summary, the available evidence is currently insufficient to determine the role of this variant in disease. Therefore, it has been classified as a Variant of Uncertain Significance. Experimental studies and prediction algorithms are not available or were not evaluated, and the functional significance of this variant is currently unknown. This variant has not been reported in the literature in individuals affected with ALMS1-related conditions. This variant is not present in population databases (gnomAD no frequency). This sequence change replaces glycine, which is neutral and non-polar, with glutamic acid, which is acidic and polar, at codon 1603 of the ALMS1 protein (p.Gly1603Glu).

NM_001378454.1(ALMS1):c.4805G>A (p.Gly1602Glu)

Gene: ALMS1 (ALMS1 centrosome and basal body associated protein; plus strand). Cytogenetic location: 2p13.1.
Variant type: single nucleotide variant.
Coding change: c.4805G>A on transcript NM_001378454.1 (MANE Select); coding-DNA position 4805, G replaced by A.
Protein change: p.Gly1602Glu; replaces glycine 1602 with glutamic acid.
Molecular consequence: missense variant.
Genome position (GRCh38, 1-based): chr2:73,451,332, G>A. VCF-style: chr2-73451332-G-A. GRCh37 (hg19) VCF-style: chr2-73678459-G-A.
Other names: c.4808G>A, p.Gly1603Glu (NM_015120.4); short protein forms G1602E, G1603E.
Identifiers: ClinVar variation 1713508 (VCV001713508.5), dbSNP rs2466102821, ClinGen allele CA347279296.
Genomic context (GRCh38, chr2:73,451,332, plus strand): 5'-AACAGGCCTTTCCAGATGGTCATCTACCTGAAGAGGCTCTGAAAGTTTCCATTGTTTCTG[G>A]ACCTACTGAAAAAAAGACTGACATACCAGCAGGACCTTTAGGTTCCAGTGCACTTGGAGA-3'
Protein context (NP_001365383.1, residues 1592-1612): EEALKVSIVS[Gly1602Glu]PTEKKTDIPA